The following is an entry in ClinVar:

ClinVar aggregate classification (germline): Uncertain significance (1 of 4 stars; one submission).

Conditions:
Cohen syndrome (COH1). Also called: PEPPER SYNDROME; Cutis verticis gyrata, retinitis pigmentosa, and sensorineural deafness. Identifiers: Orphanet 193, MedGen C0265223, MONDO:0008999, OMIM 216550.

Submission:

Labcorp Genetics (formerly Invitae), Labcorp
Classification: Uncertain significance for Cohen syndrome. Last evaluated: 2021-06-03. Review status: criteria provided, single submitter. Criteria: Invitae Variant Classification Sherloc (09022015). Collection method: clinical testing. Allele origin: germline.
Comment: This sequence change replaces valine with alanine at codon 2481 of the VPS13B protein (p.Val2481Ala). The valine residue is weakly conserved and there is a small physicochemical difference between valine and alanine. This variant is not present in population databases (ExAC no frequency). This variant has not been reported in the literature in individuals with VPS13B-related conditions. Algorithms developed to predict the effect of missense changes on protein structure and function (SIFT, PolyPhen-2, Align-GVGD) all suggest that this variant is likely to be tolerated, but these predictions have not been confirmed by published functional studies and their clinical significance is uncertain. In summary, the available evidence is currently insufficient to determine the role of this variant in disease. Therefore, it has been classified as a Variant of Uncertain Significance.

NM_152564.5(VPS13B):c.7367T>C (p.Val2456Ala)

Gene: VPS13B (vacuolar protein sorting 13 homolog B; plus strand). Cytogenetic location: 8q22.2.
Variant type: single nucleotide variant.
Coding change: c.7367T>C on transcript NM_152564.5 (MANE Select); coding-DNA position 7367, T replaced by C.
Protein change: p.Val2456Ala; replaces valine 2456 with alanine.
Molecular consequence: missense variant.
Genome position (GRCh38, 1-based): chr8:99,776,894, T>C. VCF-style: chr8-99776894-T-C. GRCh37 (hg19) VCF-style: chr8-100789122-T-C.
Other names: c.7442T>C, p.Val2481Ala (NM_017890.5); short protein forms V2456A, V2481A.
Identifiers: ClinVar variation 861430 (VCV000861430.8), dbSNP rs1811766657, ClinGen allele CA371875784.